The following is an entry in ClinVar:

NM_006662.3(SRCAP):c.7285T>C (p.Cys2429Arg)

Gene: SRCAP (Snf2 related CREBBP activator protein; plus strand). Cytogenetic location: 16p11.2.
Variant type: single nucleotide variant.
Coding change: c.7285T>C on transcript NM_006662.3 (MANE Select); coding-DNA position 7285, T replaced by C.
Protein change: p.Cys2429Arg; replaces cysteine 2429 with arginine.
Molecular consequence: missense variant.
Genome position (GRCh38, 1-based): chr16:30,737,325, T>C. VCF-style: chr16-30737325-T-C. GRCh37 (hg19) VCF-style: chr16-30748646-T-C.
Other names: short protein forms C2429R.
Identifiers: ClinVar variation 4527928 (VCV004527928.1).
Genomic context (GRCh38, chr16:30,737,325, plus strand): 5'-GCAAACCACACTCCTGTCATATCCGCCCATCAAACTCGCAGCACCACCACACCACCCCGC[T>C]GCAGTCCTGCCAGGGAGCGAGTTCCCAGGCCAGCACCTAGGCCTCGACCCACTCCAGCTT-3'
Protein context (NP_006653.2, residues 2419-2439): QTRSTTTPPR[Cys2429Arg]SPARERVPRP

ClinVar aggregate classification (germline): Uncertain significance (1 of 4 stars; one submission).

gnomAD v4.1: 1 of 1,614,114 alleles (0.000062%); highest among the groups gnomAD compares: Non-Finnish European, 0.000085%; no homozygotes.

Submission:

GeneDx
Classification: Uncertain significance. Last evaluated: 2025-05-09. Review status: criteria provided, single submitter. Criteria: GeneDx Variant Classification Process June 2021. Collection method: clinical testing. Allele origin: germline. Affected: yes.
Comment: Not observed at significant frequency in large population cohorts (gnomAD); In silico analysis suggests that this missense variant does not alter protein structure/function; Has not been previously published as pathogenic or benign to our knowledge